The following is an entry in ClinVar:

NM_001323289.2(CDKL5):c.1892T>C (p.Ile631Thr)

Gene: CDKL5 (cyclin dependent kinase like 5; plus strand). Cytogenetic location: Xp22.13.
Variant type: single nucleotide variant.
Coding change: c.1892T>C on transcript NM_001323289.2 (MANE Select); coding-DNA position 1892, T replaced by C.
Protein change: p.Ile631Thr; replaces isoleucine 631 with threonine.
Molecular consequence: missense variant.
Genome position (GRCh38, 1-based): chrX:18,604,816, T>C. VCF-style: chrX-18604816-T-C. GRCh37 (hg19) VCF-style: chrX-18622936-T-C.
Other names: NM_001323289.2(CDKL5):c.1892T>C; p.Ile631Thr; c.1892T>C, p.Ile631Thr (NM_001037343.2, NM_003159.3); short protein forms I631T.
Identifiers: ClinVar variation 143786 (VCV000143786.23), dbSNP rs144878564, ClinGen allele CA170457.

ClinVar aggregate classification (germline): Benign. Review status: reviewed by expert panel (3 of 4 stars). 8 submissions from 8 submitters: Benign (1). 7 of the submissions do not count toward it. Last evaluated 2022-08-25.

Conditions:
CDKL5 disorder. Identifiers: MedGen CN296942, MONDO:0100039.
Inborn genetic diseases. Identifiers: MedGen C0950123, MeSH D030342.
Developmental and epileptic encephalopathy, 2 (DEE2). Also called: INFANTILE SPASM SYNDROME, X-LINKED 2; CDKL5 deficiency disorder. Identifiers: Orphanet 1934, Orphanet 3451, Orphanet 505652, MedGen C4750718, MONDO:0010396, OMIM 300672.
Angelman syndrome-like. Identifiers: MedGen CN128785.

Allele frequency attached by ClinVar (database versions not stated): gnomAD exomes 0.00002 and 0.00003; ExAC 0.00003; gnomAD 0.00011 and 0.00012; TOPMed 0.00014; ESP Exome Variant Server 0.00028.
gnomAD v4.1: 30 of 1,209,621 alleles (0.0025%); highest among the groups gnomAD compares: African/African-American, 0.046%; no homozygotes.

Submissions (8):

ClinGen Rett and Angelman-like Disorders Variant Curation Expert Panel
Classification: Benign for CDKL5 disorder. Last evaluated: 2022-08-25. Review status: reviewed by expert panel. Criteria: ClinGen RettAS ACMG Specifications V2. Collection method: curation. Allele origin: germline. Inheritance: X-linked inheritance.
Comment: The allele frequency of the p.Ile631Thr variant in CDKL5 is 0.03% in African sub population in gnomAD, which is high enough to be classified as benign based on thresholds defined by the ClinGen Rett/Angelman-like Expert Panel for Rett/AS-like conditions (BA1). The p.Ile631Thr variant is observed in at least 2 unaffected individuals (internal database) (BS2). The p.Ile631Thr variant is observed in the CDKL5 gene where a second pathogenic variant in the same gene is present in the patient (PMID 19793311) (BP2). In summary, the p.Ile631Thr variant in CDKL5 is classified as benign based on the ACMG/AMP criteria (BA1, BS2, BP2).

Labcorp Genetics (formerly Invitae), Labcorp
Classification: Benign for Developmental and epileptic encephalopathy, 2; Angelman syndrome-like. Last evaluated: 2024-12-17. Review status: criteria provided, single submitter. Criteria: Invitae Variant Classification Sherloc (09022015). Collection method: clinical testing. Allele origin: germline. Not counted in ClinVar's aggregate classification.

Centre for Population Genomics, CPG
Classification: Benign for CDKL5 disorder. Last evaluated: 2024-09-13. Review status: criteria provided, single submitter. Criteria: McKnight et al. (Hum Mutat. 2022). Collection method: curation. Allele origin: germline. Inheritance: X-linked inheritance. Not counted in ClinVar's aggregate classification.
Comment: This variant has been collected from RettBASE and curated to current modified ACMG/AMP criteria. Based on the classification scheme defined by the ClinGen Rett/Angelman-like Expert Panel for Rett/AS-like Disorders Specifications to the ACMG/AMP Variant Interpretation Guidelines VCEP 3.0, this variant is classified as benign. At least the following criteria are met: The allele frequency of this variant in at least one population in gnomAD is higher than the 0.03% threshold defined by the ClinGen Rett/Angelman-like Expert Panel for Rett/AS-like Disorders VCEP 3.0 (BA1).

GeneDx
Classification: Likely benign. Last evaluated: 2020-04-13. Review status: criteria provided, single submitter. Criteria: GeneDx Variant Classification Process June 2021. Collection method: clinical testing. Allele origin: germline. Affected: yes. Not counted in ClinVar's aggregate classification.
Comment: This variant is associated with the following publications: (PMID: 19793311)

Ambry Genetics
Classification: Uncertain significance for Inborn genetic diseases. Last evaluated: 2017-08-02. Review status: criteria provided, single submitter. Criteria: Ambry Variant Classification Scheme 2023. Collection method: clinical testing. Allele origin: germline. Not counted in ClinVar's aggregate classification.
Comment: The p.I631T variant (also known as c.1892T>C), located in coding exon 11 of the CDKL5 gene, results from a T to C substitution at nucleotide position 1892. The isoleucine at codon 631 is replaced by threonine, an amino acid with similar properties. This alteration was detected as maternally inherited in an individual with early onset seizures (Nemos C et al. Clin. Genet., 2009 Oct;76:357-71). This amino acid position is not well conserved in available vertebrate species. In addition, this alteration is predicted to be tolerated by in silico analysis. Since supporting evidence is limited at this time, the clinical significance of this alteration remains unclear.

Center for Human Genetics, Inc
Classification: Uncertain significance for Developmental and epileptic encephalopathy, 2. Last evaluated: 2016-11-01. Review status: criteria provided, single submitter. Criteria: ACMG Guidelines, 2015. Collection method: clinical testing. Allele origin: germline. Affected: yes. Not counted in ClinVar's aggregate classification.

Eurofins Ntd Llc (ga)
Classification: Uncertain significance. Last evaluated: 2015-09-09. Review status: criteria provided, single submitter. Criteria: EGL Classification Definitions 2015. Collection method: clinical testing. Allele origin: germline. Observed: 1 variant allele, 1 hemizygote. Not counted in ClinVar's aggregate classification.

RettBASE
Classification: Likely benign. Last evaluated: 2014-05-09. Review status: no assertion criteria provided. Collection method: curation. Allele origin: maternal, unknown. Observed: 2 variant alleles. Not counted in ClinVar's aggregate classification.

Literature cited by the submitters: PubMed 19793311 (cited by Ambry Genetics and RettBASE).